The following is an entry in ClinVar:

ClinVar aggregate classification (germline): Likely pathogenic. Review status: criteria provided, multiple submitters, no conflicts (2 of 4 stars). 2 submissions from 2 submitters: Likely pathogenic (2). Last evaluated 2025-01-02.

Submissions (2):

ARUP Laboratories, Molecular Genetics and Genomics, ARUP Laboratories
Classification: Likely pathogenic. Last evaluated: 2025-01-02. Review status: criteria provided, single submitter. Criteria: ARUP Molecular Germline Variant Investigation Process 2024. Collection method: clinical testing. Allele origin: germline.
Comment: The SLC4A1 c.2354del; p.Leu785ArgfsTer44 variant is reported in the literature in one individual affected with spherocytosis and a family history of spherocytosis (Johnston 2015). This variant is absent from the Genome Aggregation Database (v2.1.1), indicating it is not a common polymorphism. This variant causes a frameshift by deleting a single nucleotide, so it is predicted to result in a truncated protein or mRNA subject to nonsense-mediated decay. Based on available information, this variant is considered to be likely pathogenic. References: Johnston JJ et al. Individualized iterative phenotyping for genome-wide analysis of loss-of-function mutations. Am J Hum Genet. 2015 Jun 4;96(6):913-25. PMID: 26046366.

Revvity Omics, Revvity
Classification: Likely pathogenic. Last evaluated: 2024-07-04. Review status: criteria provided, single submitter. Criteria: ACMG Guidelines, 2015. Collection method: clinical testing. Allele origin: germline.

NM_000342.4(SLC4A1):c.2354del (p.Leu785fs)

Gene: SLC4A1 (solute carrier family 4 member 1 (Diego blood group); minus strand). Cytogenetic location: 17q21.31.
Variant type: Deletion.
Coding change: c.2354del on transcript NM_000342.4 (MANE Select); coding-DNA position 2354, one base deleted (T; older notation c.2354delT).
Protein change: p.Leu785fs; shifts the reading frame from leucine 785.
Molecular consequence: frameshift variant.
Genome position (GRCh38, 1-based): chr17:44,251,546, A deleted on the plus strand (T on the coding strand, the reverse complement: SLC4A1 is on the minus strand). VCF-style (leftmost placement, unchanged base first): chr17-44251545-CA-C. GRCh37 (hg19) VCF-style: chr17-42328913-CA-C.
Other names: short protein forms L785fs.
Identifiers: ClinVar variation 4077555 (VCV004077555.2).